The following is an entry in ClinVar:

ClinVar aggregate classification (germline): Uncertain significance (1 of 4 stars; one submission).

Conditions:
Lethal congenital glycogen storage disease of heart. Also called: GLYCOGEN STORAGE DISEASE OF HEART; PHOSPHORYLASE KINASE DEFICIENCY OF HEART. Identifiers: Orphanet 439854, MedGen C1849813, MONDO:0009867, OMIM 261740.

Allele frequency attached by ClinVar (database versions not stated): gnomAD exomes below 0.00001.
gnomAD v4.1: 1 of 1,613,708 alleles (0.000062%); highest among the groups gnomAD compares: African/African-American, 0.0013%; no homozygotes.

Submission:

Labcorp Genetics (formerly Invitae), Labcorp
Classification: Uncertain significance for Lethal congenital glycogen storage disease of heart. Last evaluated: 2023-08-04. Review status: criteria provided, single submitter. Criteria: Invitae Variant Classification Sherloc (09022015). Collection method: clinical testing. Allele origin: germline.
Comment: This sequence change replaces proline, which is neutral and non-polar, with leucine, which is neutral and non-polar, at codon 88 of the PRKAG2 protein (p.Pro88Leu). In summary, the available evidence is currently insufficient to determine the role of this variant in disease. Therefore, it has been classified as a Variant of Uncertain Significance. Advanced modeling of protein sequence and biophysical properties (such as structural, functional, and spatial information, amino acid conservation, physicochemical variation, residue mobility, and thermodynamic stability) performed at Invitae indicates that this missense variant is not expected to disrupt PRKAG2 protein function. This variant has not been reported in the literature in individuals affected with PRKAG2-related conditions. This variant is not present in population databases (gnomAD no frequency).

NM_016203.4(PRKAG2):c.263C>T (p.Pro88Leu)

Gene: PRKAG2 (protein kinase AMP-activated non-catalytic subunit gamma 2; minus strand). Cytogenetic location: 7q36.1.
Variant type: single nucleotide variant.
Coding change: c.263C>T on transcript NM_016203.4 (MANE Select); coding-DNA position 263, C replaced by T.
Protein change: p.Pro88Leu; replaces proline 88 with leucine.
Molecular consequence: missense variant. On other transcripts: intron variant (1).
Genome position (GRCh38, 1-based): chr7:151,781,355, G>A on the plus strand (C>T on the coding strand, the complement: PRKAG2 is on the minus strand). VCF-style: chr7-151781355-G-A. GRCh37 (hg19) VCF-style: chr7-151478441-G-A.
Other names: c.131C>T, p.Pro44Leu (NM_001040633.2, NM_001407024.1, NM_001407026.1 and 2 more transcripts); c.263C>T, p.Pro88Leu (NM_001407021.1, NM_001407022.1, NM_001407023.1 and 2 more transcripts); c.148+33061C>T (NM_001407032.1); short protein forms P44L, P88L.
Identifiers: ClinVar variation 2749962 (VCV002749962.3), dbSNP rs2537923037, ClinGen allele CA370069797.